The following is an entry in ClinVar:

NM_004593.3(TRA2B):c.782+5G>A

Gene: TRA2B (transformer 2 beta homolog; minus strand). Cytogenetic location: 3q27.2.
Variant type: single nucleotide variant.
Coding change: c.782+5G>A on transcript NM_004593.3 (MANE Select); 5 bases into the intron after coding-DNA position 782, G replaced by A.
Molecular consequence: intron variant.
Genome position (GRCh38, 1-based): chr3:185,919,432, C>T on the plus strand (G>A on the coding strand, the complement: TRA2B is on the minus strand). VCF-style: chr3-185919432-C-T. GRCh37 (hg19) VCF-style: chr3-185637220-C-T.
Other names: c.482+5G>A (NM_001243879.2).
Identifiers: ClinVar variation 3603092 (VCV003603092.1).

ClinVar aggregate classification (germline): Uncertain significance (1 of 4 stars; one submission).

Submission:

GeneDx
Classification: Uncertain significance. Last evaluated: 2024-08-05. Review status: criteria provided, single submitter. Criteria: GeneDx Variant Classification Process June 2021. Collection method: clinical testing. Allele origin: germline. Affected: yes.
Comment: Not observed at significant frequency in large population cohorts (gnomAD); Has not been previously published as pathogenic or benign to our knowledge; In silico analysis is inconclusive as to whether the variant alters gene splicing. In the absence of RNA/functional studies, the actual effect of this sequence change is unknown.